The following is an entry in ClinVar:

NM_014908.4(DOLK):c.631C>T (p.Arg211Cys)

Gene: DOLK (dolichol kinase; minus strand). Cytogenetic location: 9q34.11.
Variant type: single nucleotide variant.
Coding change: c.631C>T on transcript NM_014908.4 (MANE Select); coding-DNA position 631, C replaced by T.
Protein change: p.Arg211Cys; replaces arginine 211 with cysteine.
Molecular consequence: missense variant.
Genome position (GRCh38, 1-based): chr9:128,946,673, G>A on the plus strand (C>T on the coding strand, the complement: DOLK is on the minus strand). VCF-style: chr9-128946673-G-A. GRCh37 (hg19) VCF-style: chr9-131708952-G-A.
Other names: short protein forms R211C.
Identifiers: ClinVar variation 95646 (VCV000095646.51), dbSNP rs145310298, ClinGen allele CA223164.

ClinVar aggregate classification (germline): Conflicting classifications of pathogenicity. Review status: criteria provided, conflicting classifications (1 of 4 stars). 11 submissions from 11 submitters: Uncertain significance (2); Likely benign (9). Last evaluated 2026-08-01.

Conditions:
Cardiovascular phenotype. Identifiers: MedGen CN230736.
DK1-congenital disorder of glycosylation. Also called: CONGENITAL DISORDER OF GLYCOSYLATION, TYPE Im; CDG Im; DK1-CDG; DOLK-congenital disorder of glycosylation; Carbohydrate deficient glycoprotein syndrome type 1m; DK1 DEFICIENCY. Identifiers: Orphanet 91131, MedGen C1835849, MONDO:0012556, OMIM 610768.

Allele frequency attached by ClinVar (database versions not stated): TOPMed 0.00226; ESP Exome Variant Server 0.00277; 1000 Genomes Project 30x 0.00156; gnomAD exomes 0.00189 and 0.00341; gnomAD 0.00238 and 0.00231; 1000 Genomes Project 0.00140; ExAC 0.00180.

Submissions (11):

CeGaT Center for Human Genetics Tuebingen
Classification: Likely benign. Last evaluated: 2026-08-01. Review status: criteria provided, single submitter. Criteria: CeGaT Center For Human Genetics Tuebingen Variant Classification Criteria Version 2. Collection method: clinical testing. Allele origin: germline. Affected: yes. Observed: 4 variant alleles.
Comment: DOLK: BS2

Labcorp Genetics (formerly Invitae), Labcorp
Classification: Likely benign for DK1-congenital disorder of glycosylation. Last evaluated: 2026-02-03. Review status: criteria provided, single submitter. Criteria: Invitae Variant Classification Sherloc (09022015). Collection method: clinical testing. Allele origin: germline.

Mayo Clinic Laboratories, Mayo Clinic
Classification: Likely benign. Last evaluated: 2025-05-13. Review status: criteria provided, single submitter. Criteria: ACMG Guidelines, 2015. Collection method: clinical testing. Allele origin: germline. Observed: 6 variant alleles.
Comment: BS1

Women's Health and Genetics/Laboratory Corporation of America, LabCorp
Classification: Likely benign. Last evaluated: 2025-04-15. Review status: criteria provided, single submitter. Criteria: LabCorp Variant Classification Summary - May 2015. Collection method: clinical testing. Allele origin: germline.
Comment: Variant summary: DOLK c.631C>T (p.Arg211Cys) results in a non-conservative amino acid change in the encoded protein sequence. Three of five in-silico tools predict a benign effect of the variant on protein function. The variant allele was found at a frequency of 0.0019 in 251394 control chromosomes in the gnomAD database, including 1 homozygotes. The observed variant frequency is approximately 1.69 fold of the estimated maximal expected allele frequency for a pathogenic variant in DOLK causing DK1-Congenital Disorder Of Glycosylation phenotype (0.0011). To our knowledge, no occurrence of c.631C>T in individuals affected with DK1-Congenital Disorder Of Glycosylation and no experimental evidence demonstrating its impact on protein function have been reported. ClinVar contains an entry for this variant (Variation ID: 95646). Based on the evidence outlined above, the variant was classified as likely benign.

Molecular Diagnostic Laboratory for Inherited Cardiovascular Disease, Montreal Heart Institute
Classification: Likely benign. Last evaluated: 2025-04-09. Review status: criteria provided, single submitter. Criteria: ACMG Guidelines, 2015. Collection method: clinical testing. Allele origin: germline. Affected: no.
Comment: BS1, BP6

Blueprint Genetics
Classification: Likely benign. Last evaluated: 2024-11-06. Review status: criteria provided, single submitter. Criteria: ACMG Guidelines, 2015. Collection method: clinical testing. Allele origin: germline.

GeneDx
Classification: Likely benign. Last evaluated: 2021-02-26. Review status: criteria provided, single submitter. Criteria: GeneDx Variant Classification Process June 2021. Collection method: clinical testing. Allele origin: germline. Affected: yes.
Comment: This variant is associated with the following publications: (PMID: 23757202)

Ambry Genetics
Classification: Likely benign for Cardiovascular phenotype. Last evaluated: 2019-04-19. Review status: criteria provided, single submitter. Criteria: Ambry Variant Classification Scheme 2023. Collection method: clinical testing. Allele origin: germline.

Illumina Laboratory Services, Illumina
Classification: Uncertain significance for DK1-congenital disorder of glycosylation. Last evaluated: 2018-01-13. Review status: criteria provided, single submitter. Criteria: ICSL Variant Classification Criteria 13 December 2019. Collection method: clinical testing. Allele origin: germline.

Laboratory for Molecular Medicine, Mass General Brigham Personalized Medicine
Classification: Likely benign. Last evaluated: 2015-07-01. Review status: criteria provided, single submitter. Criteria: LMM Criteria. Collection method: clinical testing. Allele origin: germline. Observed: 1 variant allele.
Comment: p.Arg211Cys in exon 1 of DOLK: This variant is not expected to have clinical sig nificance because it has been identified in 0.2% (162/66700) of European chromos omes by the Exome Aggregation Consortium (ExAC; dbSNP rs145310298). Additionally, arginine (Arg) at position 211 is not conserve d in mammals or evolutionarily distant species, and 2 mammals (cape elephant shr ew and aardvark) carry a cysteine (Cys) despite high nearby amino acid conservat ion.

Eurofins Ntd Llc (ga)
Classification: Uncertain significance. Last evaluated: 2013-06-07. Review status: criteria provided, single submitter. Criteria: EGL Classification Definitions 2015. Collection method: clinical testing. Allele origin: germline. Observed: 2 variant alleles, 2 heterozygotes.